The following is an entry in ClinVar:

NM_178335.3(CCDC50):c.1144G>A (p.Ala382Thr)

Gene: CCDC50 (coiled-coil domain containing 50; plus strand). Cytogenetic location: 3q28.
Variant type: single nucleotide variant.
Coding change: c.1144G>A on transcript NM_178335.3 (MANE Select); coding-DNA position 1144, G replaced by A.
Protein change: p.Ala382Thr; replaces alanine 382 with threonine.
Molecular consequence: missense variant.
Genome position (GRCh38, 1-based): chr3:191,380,834, G>A. VCF-style: chr3-191380834-G-A. GRCh37 (hg19) VCF-style: chr3-191098623-G-A.
Other names: c.616G>A, p.Ala206Thr (NM_174908.4); short protein forms A382T, A206T.
Identifiers: ClinVar variation 162859 (VCV000162859.22), dbSNP rs143628723, ClinGen allele CA175448.

ClinVar aggregate classification (germline): Conflicting classifications of pathogenicity. Review status: criteria provided, conflicting classifications (1 of 4 stars). 5 submissions from 5 submitters: Uncertain significance (2); Benign (1); Likely benign (2). Last evaluated 2025-06-09.

Allele frequency attached by ClinVar (database versions not stated): TOPMed 0.00021; gnomAD 0.00024; ESP Exome Variant Server 0.00031.
gnomAD v4.1: 297 of 1,612,622 alleles (0.018%); highest among the groups gnomAD compares: Non-Finnish European, 0.003%; no homozygotes.

Submissions (5):

Labcorp Genetics (formerly Invitae), Labcorp
Classification: Benign. Last evaluated: 2025-06-09. Review status: criteria provided, single submitter. Criteria: Invitae Variant Classification Sherloc (09022015). Collection method: clinical testing. Allele origin: germline.

Ambry Genetics
Classification: Uncertain significance. Last evaluated: 2022-10-12. Review status: criteria provided, single submitter. Criteria: Ambry Variant Classification Scheme 2023. Collection method: clinical testing. Allele origin: germline.

GeneDx
Classification: Likely benign. Last evaluated: 2020-09-11. Review status: criteria provided, single submitter. Criteria: GeneDx Variant Classification Process June 2021. Collection method: clinical testing. Allele origin: germline. Affected: yes.
Comment: In silico analysis, which includes protein predictors and evolutionary conservation, supports a deleterious effect; Has not been previously published as pathogenic or benign to our knowledge

ARUP Laboratories, Molecular Genetics and Genomics, ARUP Laboratories
Classification: Likely benign. Last evaluated: 2017-07-31. Review status: criteria provided, single submitter. Criteria: ARUP Molecular Germline Variant Investigation Process. Collection method: clinical testing. Allele origin: germline.
Comment: The p.Ala382Thr variant (rs143628723) has not been previously associated with hearing loss, and is listed in the ClinVar database as a variant of uncertain significance (Variation ID: 162859). However, this variant is listed in the Genome Aggregation Database (gnomAD) browser with a frequency in Ashkenazi Jewish populations of 0.86% (identified in 87 out of 10,130 chromosomes). While the alanine at codon 382 is highly conserved (Alamut software v 2.8.1), due to similar physiochemical properties between alanine and the substituted threonine, computational analyses return mixed results regarding the effect of this variant on CCDC50 protein structure/function (SIFT: damaging, PolyPhen2: benign, and Mutation Taster: disease causing). This variant is not predicted to alter CCDC50mRNA splicing (Alamut software v 2.8.1). Pathogenic variants in CCDC50 are associated with an autosomal dominant form of hearing loss (MIM: 607453), and based on the ethnic specific population frequency of this variant, p.Ala382Thr is likely to be benign.

Laboratory for Molecular Medicine, Mass General Brigham Personalized Medicine
Classification: Uncertain significance. Last evaluated: 2013-06-05. Review status: criteria provided, single submitter. Criteria: LMM Criteria. Collection method: clinical testing. Allele origin: germline. Observed: 1 variant allele.
Comment: Variant classified as Uncertain Significance - Favor Benign. The Ala382Thr varia nt in CCDC50 has not been reported in individuals with hearing loss, but has bee n identified in 0.05% (4/8458) of European American chromosomes in a broad popul ation by the NHLBI Exome sequencing project (dbSNP rs143628723). Although this variant has been seen in the general populati on, its frequency is not high enough to rule out a pathogenic role. Computationa l analyses (biochemical amino acid properties, conservation, AlignGVGD, PolyPhen 2, and SIFT) do not provide strong support for or against an impact to the prote in. In summary, the clinical significance of this variant cannot be determined w ith certainty; however, based upon the its presence in the general population, w e would lean towards a more likely benign role.